The following is an entry in ClinVar:

NM_130837.3(OPA1):c.2778+4A>G

Gene: OPA1 (OPA1 mitochondrial dynamin like GTPase; plus strand). Cytogenetic location: 3q29.
Variant type: single nucleotide variant.
Coding change: c.2778+4A>G on transcript NM_130837.3 (MANE Select); 4 bases into the intron after coding-DNA position 2778, A replaced by G.
Molecular consequence: intron variant.
Genome position (GRCh38, 1-based): chr3:193,665,000, A>G. VCF-style: chr3-193665000-A-G. GRCh37 (hg19) VCF-style: chr3-193382789-A-G.
Other names: c.2241+4A>G (NM_001354664.2); c.2244+4A>G (NM_001354663.2); c.2667+4A>G (NM_130834.3); c.2724+4A>G (NM_130836.3); c.2613+4A>G (NM_015560.3); c.2670+4A>G (NM_130835.3); c.2559+4A>G (NM_130832.3); c.2616+4A>G (NM_130833.3); and 1 more.
Identifiers: ClinVar variation 1346927 (VCV001346927.6), dbSNP rs2109254338, ClinGen allele CA2573136890.

ClinVar aggregate classification (germline): Uncertain significance (1 of 4 stars; one submission).

Submission:

Labcorp Genetics (formerly Invitae), Labcorp
Classification: Uncertain significance. Last evaluated: 2025-08-10. Review status: criteria provided, single submitter. Criteria: Invitae Variant Classification Sherloc (09022015). Collection method: clinical testing. Allele origin: germline.
Comment: This sequence change falls in intron 25 of the OPA1 gene. It does not directly change the encoded amino acid sequence of the OPA1 protein. It affects a nucleotide within the consensus splice site. This variant is not present in population databases (gnomAD no frequency). This variant has not been reported in the literature in individuals affected with OPA1-related conditions. ClinVar contains an entry for this variant (Variation ID: 1346927). Variants that disrupt the consensus splice site are a relatively common cause of aberrant splicing (PMID: 17576681, 9536098). Algorithms developed to predict the effect of sequence changes on RNA splicing suggest that this variant may disrupt the consensus splice site. In summary, the available evidence is currently insufficient to determine the role of this variant in disease. Therefore, it has been classified as a Variant of Uncertain Significance.

Literature cited by the submitters: PubMed 17576681; PubMed 9536098.